The following is an entry in ClinVar:

NM_006218.4(PIK3CA):c.3129G>T (p.Met1043Ile)

Gene: PIK3CA (phosphatidylinositol-4,5-bisphosphate 3-kinase catalytic subunit alpha; plus strand). Cytogenetic location: 3q26.32.
Variant type: single nucleotide variant.
Coding change: c.3129G>T on transcript NM_006218.4 (MANE Select); coding-DNA position 3129, G replaced by T.
Protein change: p.Met1043Ile; replaces methionine 1043 with isoleucine.
Molecular consequence: missense variant.
Genome position (GRCh38, 1-based): chr3:179,234,286, G>T. VCF-style: chr3-179234286-G-T. GRCh37 (hg19) VCF-style: chr3-178952074-G-T.
Other names: c.3129G>T (LRG_310t1); short protein forms M1043I.
Identifiers: ClinVar variation 217292 (VCV000217292.12), dbSNP rs121913283, ClinGen allele CA210107.

ClinVar aggregate classification (germline): Pathogenic. Review status: criteria provided, multiple submitters, no conflicts (2 of 4 stars). 4 submissions from 4 submitters: Pathogenic (3). 1 of the submissions does not count toward it. Last evaluated 2023-08-09.

Conditions:
Cowden syndrome (CS). Also called: Cowden's syndrome; Cowden disease; Cowden's disease. Identifiers: Orphanet 201, MedGen C0018553, MONDO:0016063. Disease mechanism: gain of function.
PIK3CA related overgrowth syndrome. Also called: PIK3CA related overgrowth spectrum; PIK3CA-Related Segmental Overgrowth. Identifiers: Orphanet 530313, MedGen C4728213, MONDO:1040002.

Submissions (4):

GeneDx
Classification: Pathogenic. Last evaluated: 2023-08-09. Review status: criteria provided, single submitter. Criteria: GeneDx Variant Classification Process June 2021. Collection method: clinical testing. Allele origin: germline. Affected: yes.
Comment: Not observed at significant frequency in large population cohorts (gnomAD); In silico analysis supports that this missense variant does not alter protein structure/function; This variant is associated with the following publications: (PMID: 29883676, 26627007, 18628094, 18516290, 27631024, 33745098, 29707142, 29650325, 29453417, 22729224, 25157968, 15930273, 34693559, 22120714, 35468270, 36635288, 37456262, 36468132, Nasomyont[CaseReport], 36710374, 32398863, 35070505, 34638442, 35715244, 35359373, 35154272)

Labcorp Genetics (formerly Invitae), Labcorp
Classification: Pathogenic for Cowden syndrome. Last evaluated: 2021-07-13. Review status: criteria provided, single submitter. Criteria: Invitae Variant Classification Sherloc (09022015). Collection method: clinical testing. Allele origin: germline.
Comment: Experimental studies have shown that this missense change increases PIK3CA basal kinase activity and lipid binding (PMID: 15930273, 22120714). For these reasons, this variant has been classified as Pathogenic. This variant has been reported to be de novo in an individual affected with megalencephaly-capillary malformation syndrome (PMID: 22729224). ClinVar contains an entry for this variant (Variation ID: 217292). This variant is not present in population databases (ExAC no frequency). This sequence change replaces methionine with isoleucine at codon 1043 of the PIK3CA protein (p.Met1043Ile). The methionine residue is highly conserved and there is a small physicochemical difference between methionine and isoleucine.

Care4Rare-SOLVE, CHEO
Classification: Pathogenic for PIK3CA related overgrowth syndrome. Review status: criteria provided, single submitter. Criteria: ACMG Guidelines, 2015. Collection method: research. Allele origin: de novo. Affected: yes. Observed: 1 variant allele.

Clinical Genomics Laboratory, Washington University in St. Louis
Classification: Pathogenic for PIK3CA Related Overgrowth Spectrum. Last evaluated: 2014-10-18. Review status: no assertion criteria provided. Collection method: clinical testing. Allele origin: somatic. Affected: yes. Not counted in ClinVar's aggregate classification.

Literature cited by the submitters: PubMed 15930273 (cited by Labcorp Genetics (formerly Invitae), Labcorp); PubMed 22120714 (cited by Labcorp Genetics (formerly Invitae), Labcorp); PubMed 22729224 (cited by Labcorp Genetics (formerly Invitae), Labcorp).